The following is an entry in ClinVar:

NM_000368.5(TSC1):c.1334-16C>T

Gene: TSC1 (TSC complex subunit 1; minus strand). Cytogenetic location: 9q34.13.
Variant type: single nucleotide variant.
Coding change: c.1334-16C>T on transcript NM_000368.5 (MANE Select); 16 bases into the intron before coding-DNA position 1334, C replaced by T.
Molecular consequence: intron variant.
Genome position (GRCh38, 1-based): chr9:132,906,851, G>A on the plus strand (C>T on the coding strand, the complement: TSC1 is on the minus strand). VCF-style: chr9-132906851-G-A. GRCh37 (hg19) VCF-style: chr9-135782238-G-A.
Other names: c.971-16C>T (NM_001362177.2); c.1181-16C>T (NM_001162427.2); c.1331-16C>T (NM_001162426.2).
Identifiers: ClinVar variation 1551827 (VCV001551827.10), dbSNP rs373774544, ClinGen allele CA028257.

ClinVar aggregate classification (germline): Benign/Likely benign. Review status: criteria provided, multiple submitters, no conflicts (2 of 4 stars). 3 submissions from 3 submitters: Benign (1); Likely benign (2). Last evaluated 2026-01-06.

Conditions:
Isolated focal cortical dysplasia type II (FCORD2). Also called: Focal cortical dysplasia type II; CORTICAL DYSPLASIA OF TAYLOR. Identifiers: Orphanet 268994, MedGen C1846385, MONDO:0011818, OMIM 607341, HP:0032051.
Lymphangiomyomatosis (LAM). Also called: Lymphangioleiomyomatosis, somatic; Lymphangioleiomyomatosis. Identifiers: Orphanet 538, MedGen C0751674, MONDO:0011705, OMIM 606690.
Tuberous sclerosis 1 (TSC1). Identifiers: Orphanet 805, MedGen C1854465, MONDO:0008612, OMIM 191100.

Allele frequency attached by ClinVar (database versions not stated): gnomAD exomes below 0.00001 and 0.00001; ExAC 0.00001; TOPMed 0.00002; gnomAD 0.00003; ESP Exome Variant Server 0.00015.
gnomAD v4.1: 5 of 1,603,976 alleles (0.00031%); highest among the groups gnomAD compares: African/African-American, 0.0067%; no homozygotes.

Submissions (3):

Labcorp Genetics (formerly Invitae), Labcorp
Classification: Likely benign for Tuberous sclerosis 1. Last evaluated: 2026-01-06. Review status: criteria provided, single submitter. Criteria: Invitae Variant Classification Sherloc (09022015). Collection method: clinical testing. Allele origin: germline.

Myriad Genetics, Inc.
Classification: Benign for Tuberous sclerosis 1. Last evaluated: 2024-09-05. Review status: criteria provided, single submitter. Criteria: Myriad Autosomal Dominant, Autosomal Recessive and X-Linked Classification Criteria (2023). Collection method: clinical testing. Allele origin: unknown.
Comment: This variant is considered benign. This variant is intronic and is not expected to impact mRNA splicing. This variant has been observed at a population frequency that is significantly greater than expected given the associated disease prevalence and penetrance.

Fulgent Genetics
Classification: Likely benign for Tuberous sclerosis 1; Lymphangiomyomatosis; Isolated focal cortical dysplasia type II. Last evaluated: 2022-04-24. Review status: criteria provided, single submitter. Criteria: ACMG Guidelines, 2015. Collection method: clinical testing. Allele origin: unknown.